The following is an entry in ClinVar:

NM_175053.4(KRT74):c.955G>T (p.Glu319Ter)

Gene: KRT74 (keratin 74; minus strand). Cytogenetic location: 12q13.13.
Variant type: single nucleotide variant.
Coding change: c.955G>T on transcript NM_175053.4 (MANE Select); coding-DNA position 955, G replaced by T.
Protein change: p.Glu319Ter; replaces glutamic acid 319 with a stop codon.
Molecular consequence: nonsense.
Genome position (GRCh38, 1-based): chr12:52,570,722, C>A on the plus strand (G>T on the coding strand, the complement: KRT74 is on the minus strand). VCF-style: chr12-52570722-C-A. GRCh37 (hg19) VCF-style: chr12-52964506-C-A.
Other names: short protein forms E319*.
Identifiers: ClinVar variation 3623280 (VCV003623280.2).

ClinVar aggregate classification (germline): Uncertain significance (1 of 4 stars; one submission).

gnomAD v4.1: 8 of 1,614,144 alleles (0.0005%); highest among the groups gnomAD compares: African/African-American, 0.0067%; no homozygotes.

Submission:

Labcorp Genetics (formerly Invitae), Labcorp
Classification: Uncertain significance. Last evaluated: 2024-09-21. Review status: criteria provided, single submitter. Criteria: Invitae Variant Classification Sherloc (09022015). Collection method: clinical testing. Allele origin: germline.
Comment: This sequence change creates a premature translational stop signal (p.Glu319*) in the KRT74 gene. It is expected to result in an absent or disrupted protein product. However, the current clinical and genetic evidence is not sufficient to establish whether loss-of-function variants in KRT74 cause disease. This variant is present in population databases (rs374047461, gnomAD 0.02%). This variant has not been reported in the literature in individuals affected with KRT74-related conditions. Algorithms developed to predict the effect of sequence changes on RNA splicing suggest that this variant may disrupt the consensus splice site. In summary, the available evidence is currently insufficient to determine the role of this variant in disease. Therefore, it has been classified as a Variant of Uncertain Significance.